The following is an entry in ClinVar:

ClinVar aggregate classification (germline): Uncertain significance (1 of 4 stars; one submission).

Allele frequency attached by ClinVar (database versions not stated): gnomAD exomes 0.00006; TOPMed 0.00037; gnomAD 0.00038; 1000 Genomes Project 30x 0.00094.
gnomAD v4.1: 141 of 1,550,118 alleles (0.0091%); highest among the groups gnomAD compares: African/African-American, 0.11%; no homozygotes.

Submission:

Labcorp Genetics (formerly Invitae), Labcorp
Classification: Uncertain significance. Last evaluated: 2022-09-30. Review status: criteria provided, single submitter. Criteria: Invitae Variant Classification Sherloc (09022015). Collection method: clinical testing. Allele origin: germline.
Comment: This sequence change replaces alanine, which is neutral and non-polar, with threonine, which is neutral and polar, at codon 3636 of the ZNF469 protein (p.Ala3636Thr). This variant is present in population databases (no rsID available, gnomAD 0.1%). This variant has not been reported in the literature in individuals affected with ZNF469-related conditions. Experimental studies and prediction algorithms are not available or were not evaluated, and the functional significance of this variant is currently unknown. In summary, the available evidence is currently insufficient to determine the role of this variant in disease. Therefore, it has been classified as a Variant of Uncertain Significance.

NM_001367624.2(ZNF469):c.10990G>A (p.Ala3664Thr)

Gene: ZNF469 (zinc finger protein 469; plus strand). Cytogenetic location: 16q24.2.
Variant type: single nucleotide variant.
Coding change: c.10990G>A on transcript NM_001367624.2 (MANE Select); coding-DNA position 10990, G replaced by A.
Protein change: p.Ala3664Thr; replaces alanine 3664 with threonine.
Molecular consequence: missense variant.
Genome position (GRCh38, 1-based): chr16:88,438,460, G>A. VCF-style: chr16-88438460-G-A. GRCh37 (hg19) VCF-style: chr16-88504868-A-A.
Other names: short protein forms A3664T.
Identifiers: ClinVar variation 1469706 (VCV001469706.3), dbSNP rs904783, ClinGen allele CA286387487.
Genomic context (GRCh38, chr16:88,438,460, plus strand): 5'-CTTCAGAAAGAGAAGGAGGTGTCCTCAAGCCACATGGTGTCTGAGGGGGGGCCCCGAGGC[G>A]CCTTCCACAAGGGCAGCGCCACCAAGCCTGCGGGCTGCCAGAGCTCATCAAAGGACAGGT-3'
Protein context (NP_001354553.1, residues 3654-3674): HMVSEGGPRG[Ala3664Thr]FHKGSATKPA